The following is an entry in ClinVar:

ClinVar aggregate classification (germline): Likely benign. Review status: criteria provided, single submitter (1 of 4 stars). 2 submissions from 2 submitters: Likely benign (1). 1 of the submissions does not count toward it. Last evaluated 2026-01-12.

Conditions:
HMGCL-related disorder. Also called: HMGCL-related condition.
Deficiency of hydroxymethylglutaryl-CoA lyase (HMGCLD). Also called: Defect in leucine metabolism; 3-hydroxy-3-methylglutaric aciduria; HMGCL DEFICIENCY; HYDROXYMETHYLGLUTARIC ACIDURIA; HMG-CoA LYASE DEFICIENCY. Identifiers: Orphanet 20, MedGen C1533587, MONDO:0009520, OMIM 246450.

Allele frequency attached by ClinVar (database versions not stated): gnomAD 0.00001 and 0.00002; gnomAD exomes 0.00001 and 0.00008; ExAC 0.00003; TOPMed 0.00008.
gnomAD v4.1: 24 of 1,614,104 alleles (0.0015%); highest among the groups gnomAD compares: Admixed American, 0.04%; no homozygotes.

Submissions (2):

Labcorp Genetics (formerly Invitae), Labcorp
Classification: Likely benign for Deficiency of hydroxymethylglutaryl-CoA lyase. Last evaluated: 2026-01-12. Review status: criteria provided, single submitter. Criteria: Invitae Variant Classification Sherloc (09022015). Collection method: clinical testing. Allele origin: germline.

PreventionGenetics, part of Exact Sciences
Classification: Likely benign for HMGCL-related condition. Last evaluated: 2022-04-06. Review status: no assertion criteria provided. Collection method: clinical testing. Allele origin: germline. Not counted in ClinVar's aggregate classification.
Comment: This variant is classified as likely benign based on ACMG/AMP sequence variant interpretation guidelines (Richards et al. 2015 PMID: 25741868, with internal and published modifications).

NM_000191.3(HMGCL):c.921T>C (p.Cys307=)

Gene: HMGCL (3-hydroxy-3-methylglutaryl-CoA lyase; minus strand). Cytogenetic location: 1p36.11.
Variant type: single nucleotide variant.
Coding change: c.921T>C on transcript NM_000191.3 (MANE Select); coding-DNA position 921, T replaced by C.
Protein change: p.Cys307=; no amino-acid change (cysteine 307 retained).
Molecular consequence: synonymous variant.
Genome position (GRCh38, 1-based): chr1:23,802,520, A>G on the plus strand (T>C on the coding strand, the complement: HMGCL is on the minus strand). VCF-style: chr1-23802520-A-G. GRCh37 (hg19) VCF-style: chr1-24129010-A-G.
Other names: c.708T>C, p.Cys236= (NM_001166059.2); c.921T>C (NM_000191.2).
Identifiers: ClinVar variation 1160154 (VCV001160154.11), dbSNP rs777324642, ClinGen allele CA685857.